The following is an entry in ClinVar:

NM_000053.4(ATP7B):c.2451G>A (p.Glu817=)

Gene: ATP7B (ATPase copper transporting beta; minus strand). Cytogenetic location: 13q14.3.
Variant type: single nucleotide variant.
Coding change: c.2451G>A on transcript NM_000053.4 (MANE Select); coding-DNA position 2451, G replaced by A.
Protein change: p.Glu817=; no amino-acid change (glutamic acid 817 retained).
Molecular consequence: synonymous variant. On other transcripts: intron variant (1).
Genome position (GRCh38, 1-based): chr13:51,950,396, C>T on the plus strand (G>A on the coding strand, the complement: ATP7B is on the minus strand). VCF-style: chr13-51950396-C-T. GRCh37 (hg19) VCF-style: chr13-52524532-C-T.
Other names: c.1965G>A, p.Glu655= (NM_001005918.3, NM_001406541.1, NM_001406542.1 and 1 more transcripts); c.2118G>A, p.Glu706= (NM_001243182.2); c.2217G>A, p.Glu739= (NM_001330578.2, NM_001406527.1, NM_001406528.1 and 2 more transcripts); c.2199G>A, p.Glu733= (NM_001330579.2, NM_001406531.1, NM_001406532.1 and 1 more transcripts); c.2451G>A, p.Glu817= (NM_001406511.1, NM_001406512.1, NM_001406513.1 and 7 more transcripts); c.2418G>A, p.Glu806= (NM_001406514.1); c.2355G>A, p.Glu785= (NM_001406517.1, NM_001406518.1); c.2307G>A, p.Glu769= (NM_001406520.1, NM_001406521.1, NM_001406522.1 and 1 more transcripts); and 8 more.
Identifiers: ClinVar variation 1991868 (VCV001991868.5), dbSNP rs2547674619, ClinGen allele CA483895805.

ClinVar aggregate classification (germline): Likely benign. Review status: criteria provided, multiple submitters, no conflicts (2 of 4 stars). 2 submissions from 2 submitters: Likely benign (2). Last evaluated 2025-07-14.

Conditions:
Wilson disease (WND). Also called: Wilson's disease. Identifiers: Orphanet 905, MedGen C0019202, MONDO:0010200, OMIM 277900. Disease mechanism: loss of function.

Allele frequency attached by ClinVar (database versions not stated): gnomAD exomes below 0.00001.
gnomAD v4.1: 2 of 1,614,018 alleles (0.00012%); highest among the groups gnomAD compares: Non-Finnish European, 0.00017%; no homozygotes.

Submissions (2):

Labcorp Genetics (formerly Invitae), Labcorp
Classification: Likely benign for Wilson disease. Last evaluated: 2025-07-14. Review status: criteria provided, single submitter. Criteria: Invitae Variant Classification Sherloc (09022015). Collection method: clinical testing. Allele origin: germline.

All of Us Research Program, National Institutes of Health
Classification: Likely benign for Wilson disease. Last evaluated: 2023-06-08. Review status: criteria provided, single submitter. Criteria: ACMG Guidelines, 2015. Collection method: clinical testing. Allele origin: germline. Inheritance: Autosomal recessive inheritance. Observed: 1 variant allele, 1 heterozygote.
Comment: This study involves interpretation of variants in research participants for the purpose of population health screening. Participant phenotype was not available at the time of variant classification. Additional details can be found in publication PMID: 35346344, PMCID: PMC8962531